The following is an entry in ClinVar:

NM_001271.4(CHD2):c.4963C>A (p.Pro1655Thr)

Gene: CHD2 (chromodomain helicase DNA binding protein 2; plus strand). Cytogenetic location: 15q26.1.
Variant type: single nucleotide variant.
Coding change: c.4963C>A on transcript NM_001271.4 (MANE Select); coding-DNA position 4963, C replaced by A.
Protein change: p.Pro1655Thr; replaces proline 1655 with threonine.
Molecular consequence: missense variant.
Genome position (GRCh38, 1-based): chr15:93,020,068, C>A. VCF-style: chr15-93020068-C-A. GRCh37 (hg19) VCF-style: chr15-93563298-C-A.
Other names: short protein forms P1655T.
Identifiers: ClinVar variation 930965 (VCV000930965.3), dbSNP rs2054514484, ClinGen allele CA393907561.
Genomic context (GRCh38, chr15:93,020,068, plus strand): 5'-GCAGATCGAGGAGACTGGCAGAGGGAAAGAAAGTTCAACTATGGTGGTGGCAACAACAAT[C>A]CACCATGGGGAAGCGACAGGCACCATCAGTATGAGCAGCACTGGTACAAGGACCACCATT-3'
Protein context (NP_001262.3, residues 1645-1665): KFNYGGGNNN[Pro1655Thr]PWGSDRHHQY

ClinVar aggregate classification (germline): Uncertain significance (1 of 4 stars; one submission).

Conditions:
Developmental and epileptic encephalopathy 94 (DEE94). Also called: Epileptic encephalopathy, childhood-onset; CHD2-Related Neurodevelopmental Disorders. Identifiers: Orphanet 1942, Orphanet 2382, MedGen C3809278, MONDO:0014150, OMIM 615369.

Submission:

Centre for Mendelian Genomics, University Medical Centre Ljubljana
Classification: Uncertain significance for Developmental and epileptic encephalopathy 94. Last evaluated: 2020-03-17. Review status: criteria provided, single submitter. Criteria: ACMG Guidelines, 2015. Collection method: clinical testing. Allele origin: unknown. Affected: yes.
Comment: This variant was classified as: Uncertain significance. The following ACMG criteria were applied in classifying this variant: PM2,BP1.